The following is an entry in ClinVar:

NM_015102.5(NPHP4):c.3611C>T (p.Pro1204Leu)

Gene: NPHP4 (nephrocystin 4; minus strand). Cytogenetic location: 1p36.31.
Variant type: single nucleotide variant.
Coding change: c.3611C>T on transcript NM_015102.5 (MANE Select); coding-DNA position 3611, C replaced by T.
Protein change: p.Pro1204Leu; replaces proline 1204 with leucine.
Molecular consequence: missense variant. On other transcripts: non-coding transcript variant (1).
Genome position (GRCh38, 1-based): chr1:5,866,406, G>A on the plus strand (C>T on the coding strand, the complement: NPHP4 is on the minus strand). VCF-style: chr1-5866406-G-A. GRCh37 (hg19) VCF-style: chr1-5926466-G-A.
Other names: c.2072C>T, p.Pro691Leu (NM_001291593.2); c.2075C>T, p.Pro692Leu (NM_001291594.2); short protein forms P1204L, P692L, P691L.
Identifiers: ClinVar variation 500646 (VCV000500646.14), dbSNP rs199625626, ClinGen allele CA553536.

ClinVar aggregate classification (germline): Uncertain significance. Review status: criteria provided, multiple submitters, no conflicts (2 of 4 stars). 6 submissions from 6 submitters: Uncertain significance (6). Last evaluated 2024-04-04.

Conditions:
Senior-Loken syndrome 4 (SLSN4). Identifiers: Orphanet 3156, MedGen C1846979, MONDO:0011756, OMIM 606996.
Nephronophthisis 4 (NPHP4). Also called: NEPHRONOPHTHISIS 4, JUVENILE. Identifiers: Orphanet 655, MedGen C1847013, MONDO:0011752, OMIM 606966.
Nephronophthisis. Also called: Juvenile Nephronophthisis. Identifiers: Orphanet 655, MedGen C0687120, MONDO:0019005, HP:0000090.

Allele frequency attached by ClinVar (database versions not stated): gnomAD exomes 0.00002; TOPMed 0.00002; gnomAD 0.00003; ExAC 0.00005.
gnomAD v4.1: 37 of 1,609,044 alleles (0.0023%); highest among the groups gnomAD compares: Middle Eastern, 0.082%; 2 homozygotes.

Submissions (6):

Genomic Medicine Center of Excellence, King Faisal Specialist Hospital and Research Centre
Classification: Uncertain significance for Nephronophthisis 4. Last evaluated: 2024-04-04. Review status: criteria provided, single submitter. Criteria: ACMG Guidelines, 2015. Collection method: clinical testing. Allele origin: germline.

Blueprint Genetics
Classification: Uncertain significance. Last evaluated: 2024-03-02. Review status: criteria provided, single submitter. Criteria: ACMG Guidelines, 2015. Collection method: clinical testing. Allele origin: germline.

Labcorp Genetics (formerly Invitae), Labcorp
Classification: Uncertain significance for Nephronophthisis. Last evaluated: 2022-10-05. Review status: criteria provided, single submitter. Criteria: Invitae Variant Classification Sherloc (09022015). Collection method: clinical testing. Allele origin: germline.
Comment: This sequence change replaces proline, which is neutral and non-polar, with leucine, which is neutral and non-polar, at codon 1204 of the NPHP4 protein (p.Pro1204Leu). This variant is present in population databases (rs199625626, gnomAD 0.007%). This variant has not been reported in the literature in individuals affected with NPHP4-related conditions. ClinVar contains an entry for this variant (Variation ID: 500646). Advanced modeling of protein sequence and biophysical properties (such as structural, functional, and spatial information, amino acid conservation, physicochemical variation, residue mobility, and thermodynamic stability) performed at Invitae indicates that this missense variant is expected to disrupt NPHP4 protein function. In summary, the available evidence is currently insufficient to determine the role of this variant in disease. Therefore, it has been classified as a Variant of Uncertain Significance.

Fulgent Genetics
Classification: Uncertain significance for Nephronophthisis 4; Senior-Loken syndrome 4. Last evaluated: 2022-01-01. Review status: criteria provided, single submitter. Criteria: ACMG Guidelines, 2015. Collection method: clinical testing. Allele origin: unknown.

Baylor Genetics
Classification: Uncertain significance for Nephronophthisis 4. Last evaluated: 2019-07-15. Review status: criteria provided, single submitter. Criteria: ACMG Guidelines, 2015. Collection method: clinical testing. Allele origin: unknown. Affected: yes.
Comment: This variant was determined to be of uncertain significance according to ACMG Guidelines, 2015 [PMID:25741868].

Eurofins Ntd Llc (ga)
Classification: Uncertain significance. Last evaluated: 2017-02-27. Review status: criteria provided, single submitter. Criteria: EGL Classification Definitions 2015. Collection method: clinical testing. Allele origin: germline. Observed: 1 variant allele, 1 heterozygote.